The following is an entry in ClinVar:

NM_001206927.2(DNAH8):c.8801T>C (p.Val2934Ala)

Gene: DNAH8 (dynein axonemal heavy chain 8; plus strand). Cytogenetic location: 6p21.2.
Variant type: single nucleotide variant.
Coding change: c.8801T>C on transcript NM_001206927.2 (MANE Select); coding-DNA position 8801, T replaced by C.
Protein change: p.Val2934Ala; replaces valine 2934 with alanine.
Molecular consequence: missense variant.
Genome position (GRCh38, 1-based): chr6:38,896,086, T>C. VCF-style: chr6-38896086-T-C. GRCh37 (hg19) VCF-style: chr6-38863862-T-C.
Other names: c.8150T>C, p.Val2717Ala (NM_001371.4); short protein forms V2717A, V2934A.
Identifiers: ClinVar variation 1019844 (VCV001019844.6), dbSNP rs1031668402, ClinGen allele CA137561670.
Genomic context (GRCh38, chr6:38,896,086, plus strand): 5'-CTTTCAGATTTATAACTCCTGAAGATGAGCAGTGGTTTAATGCACATCTTACTCGTGCAG[T>C]TGAAGAAAATATTGGCTCTGATGCAGCGTCGTGTATTCTTCCTGAACCATACTTTGTGGA-3'
Protein context (NP_001193856.1, residues 2924-2944): QWFNAHLTRA[Val2934Ala]EENIGSDAAS

ClinVar aggregate classification (germline): Uncertain significance (1 of 4 stars; one submission).

Conditions:
Primary ciliary dyskinesia. Also called: Ciliary dyskinesia. Identifiers: Orphanet 244, MedGen C0008780, MONDO:0016575, HP:0012265.

Allele frequency attached by ClinVar (database versions not stated): gnomAD exomes 0.00001; gnomAD 0.00010 and 0.00011; TOPMed 0.00016.
gnomAD v4.1: 25 of 1,614,022 alleles (0.0015%); highest among the groups gnomAD compares: Admixed American, 0.032%; no homozygotes.

Submission:

Labcorp Genetics (formerly Invitae), Labcorp
Classification: Uncertain significance for Primary ciliary dyskinesia. Last evaluated: 2021-09-01. Review status: criteria provided, single submitter. Criteria: Invitae Variant Classification Sherloc (09022015). Collection method: clinical testing. Allele origin: germline.
Comment: This sequence change replaces valine with alanine at codon 2934 of the DNAH8 protein (p.Val2934Ala). The valine residue is moderately conserved and there is a small physicochemical difference between valine and alanine. This variant is not present in population databases (ExAC no frequency). This variant has not been reported in the literature in individuals affected with DNAH8-related conditions. Algorithms developed to predict the effect of missense changes on protein structure and function are either unavailable or do not agree on the potential impact of this missense change (SIFT: "Tolerated"; PolyPhen-2: "Not Available"; Align-GVGD: "Class C0"). In summary, the available evidence is currently insufficient to determine the role of this variant in disease. Therefore, it has been classified as a Variant of Uncertain Significance.